The following is an entry in ClinVar:

NM_004415.4(DSP):c.2765C>G (p.Thr922Arg)

Gene: DSP (desmoplakin; plus strand). Cytogenetic location: 6p24.3.
Variant type: single nucleotide variant.
Coding change: c.2765C>G on transcript NM_004415.4 (MANE Select); coding-DNA position 2765, C replaced by G.
Protein change: p.Thr922Arg; replaces threonine 922 with arginine.
Molecular consequence: missense variant.
Genome position (GRCh38, 1-based): chr6:7,576,428, C>G. VCF-style: chr6-7576428-C-G. GRCh37 (hg19) VCF-style: chr6-7576661-C-G.
Other names: c.2765C>G, p.Thr922Arg (NM_001008844.3, NM_001319034.2); short protein forms T922R.
Identifiers: ClinVar variation 3273883 (VCV003273883.4).

ClinVar aggregate classification (germline): Uncertain significance. Review status: criteria provided, multiple submitters, no conflicts (2 of 4 stars). 3 submissions from 3 submitters: Uncertain significance (3). Last evaluated 2024-11-30.

Conditions:
Cardiovascular phenotype. Identifiers: MedGen CN230736.
Arrhythmogenic cardiomyopathy with wooly hair and keratoderma. Also called: PALMOPLANTAR KERATODERMA WITH LEFT VENTRICULAR CARDIOMYOPATHY AND WOOLLY HAIR; Carvajal syndrome; Arrhythmogenic cardiomyopathy with woolly hair and keratoderma; Dilated cardiomyopathy with woolly hair and keratoderma. Identifiers: Orphanet 65282, MedGen C1854063, MONDO:0011581, OMIM 605676.
Arrhythmogenic right ventricular dysplasia 8 (ARVD8). Also called: Arrhythmogenic Right Ventricular Dysplasia/Cardiomyopathy 8; ARRHYTHMOGENIC RIGHT VENTRICULAR DYSPLASIA, FAMILIAL, 8; ARRHYTHMOGENIC RIGHT VENTRICULAR CARDIOMYOPATHY 8. Identifiers: MedGen C1843896, MONDO:0011831, OMIM 607450.

Submissions (3):

Labcorp Genetics (formerly Invitae), Labcorp
Classification: Uncertain significance for Arrhythmogenic cardiomyopathy with wooly hair and keratoderma; Arrhythmogenic right ventricular dysplasia 8. Last evaluated: 2024-11-30. Review status: criteria provided, single submitter. Criteria: Invitae Variant Classification Sherloc (09022015). Collection method: clinical testing. Allele origin: germline.
Comment: This sequence change replaces threonine, which is neutral and polar, with arginine, which is basic and polar, at codon 922 of the DSP protein (p.Thr922Arg). This variant is not present in population databases (gnomAD no frequency). This variant has not been reported in the literature in individuals affected with DSP-related conditions. An algorithm developed to predict the effect of missense changes on protein structure and function (PolyPhen-2) suggests that this variant is likely to be tolerated. In summary, the available evidence is currently insufficient to determine the role of this variant in disease. Therefore, it has been classified as a Variant of Uncertain Significance.

Ambry Genetics
Classification: Uncertain significance for Cardiovascular phenotype. Last evaluated: 2024-03-27. Review status: criteria provided, single submitter. Criteria: Ambry Variant Classification Scheme 2023. Collection method: clinical testing. Allele origin: germline.
Comment: The p.T922R variant (also known as c.2765C>G), located in coding exon 19 of the DSP gene, results from a C to G substitution at nucleotide position 2765. The threonine at codon 922 is replaced by arginine, an amino acid with similar properties. This amino acid position is well conserved in available vertebrate species. In addition, the in silico prediction for this alteration is inconclusive. Based on the available evidence, the clinical significance of this alteration remains unclear.

Blueprint Genetics
Classification: Uncertain significance. Last evaluated: 2022-11-16. Review status: criteria provided, single submitter. Criteria: ACMG Guidelines, 2015. Collection method: clinical testing. Allele origin: germline.